The following is an entry in ClinVar:

ClinVar aggregate classification (germline): Conflicting classifications of pathogenicity. Review status: criteria provided, conflicting classifications (1 of 4 stars). 5 submissions from 5 submitters: Uncertain significance (3); Likely benign (1). 1 of the submissions does not count toward it. Last evaluated 2025-06-17.

Conditions:
Neuromuscular disease caused by qualitative or quantitative defects of dysferlin. Also called: Dysferlinopathy; Qualitative or quantitative defects of dysferlin. Identifiers: Orphanet 207073, MedGen C2931687, MONDO:0016145.
Autosomal recessive limb-girdle muscular dystrophy type 2B (LGMDR2). Also called: MUSCULAR DYSTROPHY, LIMB-GIRDLE, TYPE 3; Limb-girdle muscular dystrophy, type 2B; Limb-Girdle Muscular Dystrophy Type 2B (LGMD2B); MUSCULAR DYSTROPHY, LIMB-GIRDLE, AUTOSOMAL RECESSIVE 2. Identifiers: Orphanet 268, MedGen C1850889, MONDO:0009676, OMIM 253601.

Allele frequency attached by ClinVar (database versions not stated): gnomAD 0.00003; ExAC 0.00004; TOPMed 0.00004; 1000 Genomes Project 30x 0.00031; 1000 Genomes Project 0.00040.
gnomAD v4.1: 52 of 1,614,050 alleles (0.0032%); highest among the groups gnomAD compares: East Asian, 0.0067%; no homozygotes.

Submissions (5):

Labcorp Genetics (formerly Invitae), Labcorp
Classification: Likely benign for Neuromuscular disease caused by qualitative or quantitative defects of dysferlin. Last evaluated: 2025-06-17. Review status: criteria provided, single submitter. Criteria: Invitae Variant Classification Sherloc (09022015). Collection method: clinical testing. Allele origin: germline.

Illumina Laboratory Services, Illumina
Classification: Uncertain significance for Qualitative or quantitative defects of dysferlin. Last evaluated: 2018-01-13. Review status: criteria provided, single submitter. Criteria: ICSL Variant Classification Criteria 13 December 2019. Collection method: clinical testing. Allele origin: germline.

GeneDx
Classification: Uncertain significance. Last evaluated: 2017-08-01. Review status: criteria provided, single submitter. Criteria: GeneDx Variant Classification (06012015). Collection method: clinical testing. Allele origin: germline. Affected: yes.
Comment: The V1130I variant has not been published as a pathogenic variant, nor has it been reported as a benign variant to our knowledge. The V1130I variant is observed in 2/8,654 (0.02%) alleles from individuals of East Asian background (Lek et al., 2016; 1000 Genomes Consortium et al., 2015; Exome Variant Server). This variant is a conservative amino acid substitution, which is not likely to impact secondary protein structure as these residues share similar properties. However, this substitution occurs at a position that is conserved across species, and in silico analysis is inconsistent in its predictions as to whether or not the variant is damaging to the protein structure/function.

Eurofins Ntd Llc (ga)
Classification: Uncertain significance. Last evaluated: 2017-02-14. Review status: criteria provided, single submitter. Criteria: EGL Classification Definitions 2015. Collection method: clinical testing. Allele origin: germline. Observed: 1 variant allele, 1 heterozygote.

Natera, Inc.
Classification: Uncertain significance for Limb-girdle muscular dystrophy type 2B. Last evaluated: 2020-09-16. Review status: no assertion criteria provided. Collection method: clinical testing. Allele origin: germline. Not counted in ClinVar's aggregate classification.

NM_001130987.2(DYSF):c.3442G>A (p.Val1148Ile)

Gene: DYSF (dysferlin; plus strand). Cytogenetic location: 2p13.2.
Variant type: single nucleotide variant.
Coding change: c.3442G>A on transcript NM_001130987.2 (MANE Select); coding-DNA position 3442, G replaced by A.
Protein change: p.Val1148Ile; replaces valine 1148 with isoleucine.
Molecular consequence: missense variant.
Genome position (GRCh38, 1-based): chr2:71,589,632, G>A. VCF-style: chr2-71589632-G-A. GRCh37 (hg19) VCF-style: chr2-71816762-G-A.
Other names: c.3391G>A, p.Val1131Ile (NM_001130455.2, NM_001130983.2); c.3346G>A, p.Val1116Ile (NM_001130976.2, NM_001130977.2); c.3388G>A, p.Val1130Ile (NM_001130978.2, NM_003494.4); c.3481G>A, p.Val1161Ile (NM_001130979.2); c.3439G>A, p.Val1147Ile (NM_001130980.2, NM_001130981.2); c.3484G>A, p.Val1162Ile (NM_001130982.2); c.3349G>A, p.Val1117Ile (NM_001130984.2, NM_001130986.2); c.3442G>A, p.Val1148Ile (NM_001130985.2); short protein forms V1130I, V1148I, V1147I, V1117I, V1116I, V1131I, V1161I, V1162I.
Identifiers: ClinVar variation 336965 (VCV000336965.16), dbSNP rs148925399, ClinGen allele CA1706568.